The following is an entry in ClinVar:

ClinVar aggregate classification (germline): Uncertain significance (1 of 4 stars; one submission).

gnomAD v4.1: 1 of 1,594,500 alleles (0.000063%); highest among the groups gnomAD compares: African/African-American, 0.0013%; no homozygotes.

Submission:

Labcorp Genetics (formerly Invitae), Labcorp
Classification: Uncertain significance. Last evaluated: 2023-11-27. Review status: criteria provided, single submitter. Criteria: Invitae Variant Classification Sherloc (09022015). Collection method: clinical testing. Allele origin: germline.
Comment: This sequence change replaces glycine, which is neutral and non-polar, with valine, which is neutral and non-polar, at codon 1007 of the COL18A1 protein (p.Gly1007Val). This variant is present in population databases (no rsID available, gnomAD 0.007%). This variant has not been reported in the literature in individuals affected with COL18A1-related conditions. ClinVar contains an entry for this variant (Variation ID: 2011553). Experimental studies and prediction algorithms are not available or were not evaluated, and the functional significance of this variant is currently unknown. In summary, the available evidence is currently insufficient to determine the role of this variant in disease. Therefore, it has been classified as a Variant of Uncertain Significance.

NM_001379500.1(COL18A1):c.3029G>T (p.Gly1010Val)

Genes: SLC19A1 (solute carrier family 19 member 1; minus strand), COL18A1 (collagen type XVIII alpha 1 chain; plus strand). Cytogenetic location: 21q22.3.
Variant type: single nucleotide variant.
Coding change: c.3029G>T on transcript NM_001379500.1 (MANE Select); coding-DNA position 3029, G replaced by T.
Protein change: p.Gly1010Val; replaces glycine 1010 with valine.
Molecular consequence: missense variant.
Genome position (GRCh38, 1-based): chr21:45,505,373, G>T. VCF-style: chr21-45505373-G-T. GRCh37 (hg19) VCF-style: chr21-46925287-G-T.
Other names: c.3560G>T, p.Gly1187Val (NM_030582.4); c.4265G>T, p.Gly1422Val (NM_130444.3); short protein forms G1010V, G1187V, G1422V.
Identifiers: ClinVar variation 2011553 (VCV002011553.3), dbSNP rs1239540046, ClinGen allele CA410499697.
Genomic context (GRCh38, chr21:45,505,373, plus strand): 5'-CGCCTCGTGTGGCTTCGTGTTCCCACCTTGGTTTCTCTCCTGCAGCTATCAGCGTTCCCG[G>T]CCCTCCGGGCCCCCCTGGGCCCCCTGGGCCCCCTGGAACCATGGGCGCCTCCTCAGGGGT-3'
Protein context (NP_001366429.1, residues 1000-1020): GPHRQTISVP[Gly1010Val]PPGPPGPPGP